The following is an entry in ClinVar:

NM_005751.5(AKAP9):c.11471G>T (p.Gly3824Val)

Gene: AKAP9 (A-kinase anchoring protein 9; plus strand). Cytogenetic location: 7q21.2.
Variant type: single nucleotide variant.
Coding change: c.11471G>T on transcript NM_005751.5 (MANE Select); coding-DNA position 11471, G replaced by T.
Protein change: p.Gly3824Val; replaces glycine 3824 with valine.
Molecular consequence: missense variant.
Genome position (GRCh38, 1-based): chr7:92,107,347, G>T. VCF-style: chr7-92107347-G-T. GRCh37 (hg19) VCF-style: chr7-91736661-G-T.
Other names: c.6116G>T, p.Gly2039Val (NM_001379277.1); c.11447G>T, p.Gly3816Val (NM_147185.3); short protein forms G3824V, G3816V, G2039V.
Identifiers: ClinVar variation 1732768 (VCV001732768.3), dbSNP rs369061534, ClinGen allele CA4338205.

ClinVar aggregate classification (germline): Uncertain significance (1 of 4 stars; one submission).

Conditions:
Cardiovascular phenotype. Identifiers: MedGen CN230736.

gnomAD v4.1: 13 of 1,613,848 alleles (0.00081%); highest among the groups gnomAD compares: Non-Finnish European, 0.001%; no homozygotes.

Submission:

Ambry Genetics
Classification: Uncertain significance for Cardiovascular phenotype. Last evaluated: 2025-12-01. Review status: criteria provided, single submitter. Criteria: Ambry Variant Classification Scheme 2023. Collection method: clinical testing. Allele origin: germline.
Comment: The p.G3824V variant (also known as c.11471G>T), located in coding exon 48 of the AKAP9 gene, results from a G to T substitution at nucleotide position 11471. The glycine at codon 3824 is replaced by valine, an amino acid with dissimilar properties. This amino acid position is highly conserved in available vertebrate species. In addition, the in silico prediction for this alteration is inconclusive. Since supporting evidence is limited at this time, the clinical significance of this alteration remains unclear.